The following is an entry in ClinVar:

NM_001124758.3(SPNS2):c.36C>G (p.Gly12=)

Genes: SPNS2 (SPNS lysolipid transporter 2, sphingosine-1-phosphate; plus strand), SPNS2-AS1 (SPNS2 antisense RNA 1; minus strand). Cytogenetic location: 17p13.2.
Variant type: single nucleotide variant.
Coding change: c.36C>G on transcript NM_001124758.3 (MANE Select); coding-DNA position 36, C replaced by G.
Protein change: p.Gly12=; no amino-acid change (glycine 12 retained).
Molecular consequence: synonymous variant.
Genome position (GRCh38, 1-based): chr17:4,499,083, C>G. VCF-style: chr17-4499083-C-G. GRCh37 (hg19) VCF-style: chr17-4402378-C-G.
Identifiers: ClinVar variation 3352192 (VCV003352192.1).

ClinVar aggregate classification (germline): Likely benign (0 of 4 stars; one submission).

Conditions:
SPNS2-related disorder. Also called: SPNS2-related condition.

Submission:

PreventionGenetics, part of Exact Sciences
Classification: Likely benign for SPNS2-related condition. Last evaluated: 2024-09-20. Review status: no assertion criteria provided. Collection method: clinical testing. Allele origin: germline.
Comment: This variant is classified as likely benign based on ACMG/AMP sequence variant interpretation guidelines (Richards et al. 2015 PMID: 25741868, with internal and published modifications).